The following is an entry in ClinVar:

NM_000684.3(ADRB1):c.390C>T (p.Phe130=)

Gene: ADRB1 (adrenoceptor beta 1; plus strand). Cytogenetic location: 10q25.3.
Variant type: single nucleotide variant.
Coding change: c.390C>T on transcript NM_000684.3 (MANE Select); coding-DNA position 390, C replaced by T.
Protein change: p.Phe130=; no amino-acid change (phenylalanine 130 retained).
Molecular consequence: synonymous variant.
Genome position (GRCh38, 1-based): chr10:114,044,522, C>T. VCF-style: chr10-114044522-C-T. GRCh37 (hg19) VCF-style: chr10-115804281-C-T.
Identifiers: ClinVar variation 3905555 (VCV003905555.10).

ClinVar aggregate classification (germline): Likely benign (1 of 4 stars; one submission).

Submission:

CeGaT Center for Human Genetics Tuebingen
Classification: Likely benign. Last evaluated: 2025-04-01. Review status: criteria provided, single submitter. Criteria: CeGaT Center For Human Genetics Tuebingen Variant Classification Criteria Version 2. Collection method: clinical testing. Allele origin: germline. Affected: yes. Observed: 1 variant allele.
Comment: ADRB1: BP4, BP7